The following is an entry in ClinVar:

NM_007194.4(CHEK2):c.523G>C (p.Val175Leu)

Gene: CHEK2 (checkpoint kinase 2; minus strand). Cytogenetic location: 22q12.1.
Variant type: single nucleotide variant.
Coding change: c.523G>C on transcript NM_007194.4 (MANE Select); coding-DNA position 523, G replaced by C.
Protein change: p.Val175Leu; replaces valine 175 with leucine.
Molecular consequence: missense variant. On other transcripts: 5 prime UTR variant (2), intron variant (1).
Genome position (GRCh38, 1-based): chr22:28,725,046, C>G on the plus strand (G>C on the coding strand, the complement: CHEK2 is on the minus strand). VCF-style: chr22-28725046-C-G. GRCh37 (hg19) VCF-style: chr22-29121034-C-G.
Other names: c.652G>C, p.Val218Leu (NM_001005735.3, NM_001438294.1); c.-255G>C (NM_001257387.3); c.-141G>C (NM_001437942.1); c.616G>C, p.Val206Leu (NM_001438293.1, NM_001438295.1); c.523G>C, p.Val175Leu (NM_145862.3); c.445-123G>C (NM_001349956.3); short protein forms V175L, V218L, V206L.
Identifiers: ClinVar variation 846334 (VCV000846334.15), dbSNP rs2053942160, ClinGen allele CA411107332.

ClinVar aggregate classification (germline): Uncertain significance. Review status: criteria provided, multiple submitters, no conflicts (2 of 4 stars). 4 submissions from 4 submitters: Uncertain significance (4). Last evaluated 2025-04-01.

Conditions:
Familial cancer of breast. Also called: hereditary breast carcinoma; Hereditary breast cancer; BREAST CANCER, FAMILIAL. Identifiers: Orphanet 227535, MedGen C0346153, MONDO:0016419, OMIM 114480. Disease mechanism: loss of function.
Hereditary cancer-predisposing syndrome. Also called: Tumor predisposition; Hereditary neoplastic syndrome; Neoplastic Syndromes, Hereditary; Hereditary Cancer Syndrome. Identifiers: Orphanet 140162, MedGen C0027672, MeSH D009386, MONDO:0015356.

Submissions (4):

Labcorp Genetics (formerly Invitae), Labcorp
Classification: Uncertain significance for Familial cancer of breast. Last evaluated: 2025-04-01. Review status: criteria provided, single submitter. Criteria: Invitae Variant Classification Sherloc (09022015). Collection method: clinical testing. Allele origin: germline.
Comment: This sequence change replaces valine, which is neutral and non-polar, with leucine, which is neutral and non-polar, at codon 175 of the CHEK2 protein (p.Val175Leu). This variant is not present in population databases (gnomAD no frequency). This variant has not been reported in the literature in individuals affected with CHEK2-related conditions. ClinVar contains an entry for this variant (Variation ID: 846334). An algorithm developed to predict the effect of missense changes on protein structure and function (PolyPhen-2) suggests that this variant is likely to be tolerated. In summary, the available evidence is currently insufficient to determine the role of this variant in disease. Therefore, it has been classified as a Variant of Uncertain Significance.

Ambry Genetics
Classification: Uncertain significance for Hereditary cancer-predisposing syndrome. Last evaluated: 2022-02-21. Review status: criteria provided, single submitter. Criteria: Ambry Variant Classification Scheme 2023. Collection method: clinical testing. Allele origin: germline.
Comment: The p.V175L variant (also known as c.523G>C), located in coding exon 3 of the CHEK2 gene, results from a G to C substitution at nucleotide position 523. The valine at codon 175 is replaced by leucine, an amino acid with highly similar properties. This amino acid position is conserved. In addition, this alteration is predicted to be tolerated by in silico analysis. Since supporting evidence is limited at this time, the clinical significance of this alteration remains unclear.

Color Diagnostics, LLC DBA Color Health
Classification: Uncertain significance for Hereditary cancer-predisposing syndrome. Last evaluated: 2021-11-22. Review status: criteria provided, single submitter. Criteria: ACMG Guidelines, 2015. Collection method: clinical testing. Allele origin: germline.
Comment: This missense variant replaces valine with leucine at codon 175 of the CHEK2 protein. Computational prediction suggests that this variant may not impact protein structure and function (internally defined REVEL score threshold <= 0.5, PMID: 27666373). To our knowledge, functional studies have not been reported for this variant. This variant has not been reported in individuals affected with hereditary cancer in the literature. This variant has not been identified in the general population by the Genome Aggregation Database (gnomAD). The available evidence is insufficient to determine the role of this variant in disease conclusively. Therefore, this variant is classified as a Variant of Uncertain Significance.

GeneDx
Classification: Uncertain significance. Last evaluated: 2019-06-19. Review status: criteria provided, single submitter. Criteria: GeneDx Variant Classification Process June 2021. Collection method: clinical testing. Allele origin: germline. Affected: yes.
Comment: Not observed in large population cohorts (Lek et al., 2016); In silico analysis, which includes protein predictors and evolutionary conservation, supports that this variant does not alter protein structure/function; Has not been previously published as pathogenic or benign to our knowledge